The following is an entry in ClinVar:

NM_144687.4(NLRP12):c.1572G>A (p.Met524Ile)

Gene: NLRP12 (NLR family pyrin domain containing 12; minus strand). Cytogenetic location: 19q13.42.
Variant type: single nucleotide variant.
Coding change: c.1572G>A on transcript NM_144687.4 (MANE Select); coding-DNA position 1572, G replaced by A.
Protein change: p.Met524Ile; replaces methionine 524 with isoleucine.
Molecular consequence: missense variant.
Genome position (GRCh38, 1-based): chr19:53,810,087, C>T on the plus strand (G>A on the coding strand, the complement: NLRP12 is on the minus strand). VCF-style: chr19-53810087-C-T. GRCh37 (hg19) VCF-style: chr19-54313341-C-T.
Other names: c.1572G>A, p.Met524Ile (NM_001277126.2, NM_001277129.1); short protein forms M524I.
Identifiers: ClinVar variation 871355 (VCV000871355.47), dbSNP rs570169359, ClinGen allele CA9639402.

ClinVar aggregate classification (germline): Uncertain significance. Review status: criteria provided, multiple submitters, no conflicts (2 of 4 stars). 3 submissions from 3 submitters: Uncertain significance (3). Last evaluated 2026-01-14.

Conditions:
Familial cold autoinflammatory syndrome 2 (FCAS2). Identifiers: Orphanet 247868, MedGen C2673198, MONDO:0012724, OMIM 611762.

Allele frequency attached by ClinVar (database versions not stated): TOPMed below 0.00001; gnomAD 0.00001; gnomAD exomes 0.00001 and 0.00002; ExAC 0.00002.
gnomAD v4.1: 15 of 1,614,056 alleles (0.00093%); highest among the groups gnomAD compares: Middle Eastern, 0.016%; no homozygotes.

Submissions (3):

Labcorp Genetics (formerly Invitae), Labcorp
Classification: Uncertain significance for Familial cold autoinflammatory syndrome 2. Last evaluated: 2026-01-14. Review status: criteria provided, single submitter. Criteria: Invitae Variant Classification Sherloc (09022015). Collection method: clinical testing. Allele origin: germline.
Comment: This sequence change replaces methionine, which is neutral and non-polar, with isoleucine, which is neutral and non-polar, at codon 524 of the NLRP12 protein (p.Met524Ile). This variant is present in population databases (rs570169359, gnomAD 0.004%). This variant has not been reported in the literature in individuals affected with NLRP12-related conditions. ClinVar contains an entry for this variant (Variation ID: 871355). Invitae Evidence Modeling of protein sequence and biophysical properties (such as structural, functional, and spatial information, amino acid conservation, physicochemical variation, residue mobility, and thermodynamic stability) indicates that this missense variant is not expected to disrupt NLRP12 protein function with a negative predictive value of 80%. In summary, the available evidence is currently insufficient to determine the role of this variant in disease. Therefore, it has been classified as a Variant of Uncertain Significance.

GeneDx
Classification: Uncertain significance. Last evaluated: 2022-02-01. Review status: criteria provided, single submitter. Criteria: GeneDx Variant Classification Process June 2021. Collection method: clinical testing. Allele origin: germline. Affected: yes.
Comment: Not observed at significant frequency in large population cohorts (gnomAD); In silico analysis supports that this missense variant has a deleterious effect on protein structure/function; Has not been previously published as pathogenic or benign to our knowledge

CeGaT Center for Human Genetics Tuebingen
Classification: Uncertain significance. Last evaluated: 2020-01-01. Review status: criteria provided, single submitter. Criteria: CeGaT Center For Human Genetics Tuebingen Variant Classification Criteria Version 2. Collection method: clinical testing. Allele origin: germline. Affected: yes. Observed: 2 variant alleles.